The following is an entry in ClinVar:

NM_001457.4(FLNB):c.906+3A>G

Gene: FLNB (filamin B; plus strand). Cytogenetic location: 3p14.3.
Variant type: single nucleotide variant.
Coding change: c.906+3A>G on transcript NM_001457.4 (MANE Select); 3 bases into the intron after coding-DNA position 906, A replaced by G.
Molecular consequence: intron variant.
Genome position (GRCh38, 1-based): chr3:58,094,957, A>G. VCF-style: chr3-58094957-A-G. GRCh37 (hg19) VCF-style: chr3-58080684-A-G.
Other names: c.906+3A>G (NM_001164317.2, NM_001164318.2, NM_001164319.2).
Identifiers: ClinVar variation 1030457 (VCV001030457.4), dbSNP rs750429255, ClinGen allele CA2467654.

ClinVar aggregate classification (germline): Conflicting classifications of pathogenicity. Review status: criteria provided, conflicting classifications (1 of 4 stars). 3 submissions from 3 submitters: Uncertain significance (2); Likely benign (1). Last evaluated 2025-12-15.

Conditions:
Inborn genetic diseases. Identifiers: MedGen C0950123, MeSH D030342.
Atelosteogenesis type I. Also called: SPONDYLOHUMEROFEMORAL HYPOPLASIA; Atelosteogenesis Type 1 (FLNB-AO1); GIANT CELL CHONDRODYSPLASIA. Identifiers: Orphanet 1190, MedGen C0265283, MONDO:0007167, OMIM 108720.

Allele frequency attached by ClinVar (database versions not stated): gnomAD exomes 0.00001 and 0.00004; TOPMed 0.00002; ExAC 0.00005.
gnomAD v4.1: 10 of 1,604,862 alleles (0.00062%); highest among the groups gnomAD compares: Admixed American, 0.017%; no homozygotes.

Submissions (3):

Labcorp Genetics (formerly Invitae), Labcorp
Classification: Uncertain significance. Last evaluated: 2025-12-15. Review status: criteria provided, single submitter. Criteria: Invitae Variant Classification Sherloc (09022015). Collection method: clinical testing. Allele origin: germline.
Comment: This sequence change falls in intron 5 of the FLNB gene. It does not directly change the encoded amino acid sequence of the FLNB protein. It affects a nucleotide within the consensus splice site. This variant is present in population databases (rs750429255, gnomAD 0.03%). This variant has not been reported in the literature in individuals affected with FLNB-related conditions. ClinVar contains an entry for this variant (Variation ID: 1030457). Variants that disrupt the consensus splice site are a relatively common cause of aberrant splicing (PMID: 17576681, 9536098). Algorithms developed to predict the effect of sequence changes on RNA splicing suggest that this variant is not likely to affect RNA splicing. In summary, the available evidence is currently insufficient to determine the role of this variant in disease. Therefore, it has been classified as a Variant of Uncertain Significance.

Ambry Genetics
Classification: Likely benign for Inborn genetic diseases. Last evaluated: 2022-02-08. Review status: criteria provided, single submitter. Criteria: Ambry Variant Classification Scheme 2023. Collection method: clinical testing. Allele origin: germline.

Baylor Genetics
Classification: Uncertain significance for Atelosteogenesis type I. Last evaluated: 2019-04-29. Review status: criteria provided, single submitter. Criteria: ACMG Guidelines, 2015. Collection method: clinical testing. Allele origin: maternal. Affected: yes.
Comment: This variant was determined to be of uncertain significance according to ACMG Guidelines, 2015 [PMID:25741868].

Literature cited by the submitters: PubMed 17576681 (cited by Labcorp Genetics (formerly Invitae), Labcorp); PubMed 9536098 (cited by Labcorp Genetics (formerly Invitae), Labcorp).